The following is an entry in ClinVar:

NM_001372044.2(SHANK3):c.3527C>T (p.Pro1176Leu)

Gene: SHANK3 (SH3 and multiple ankyrin repeat domains 3; plus strand). Cytogenetic location: 22q13.33.
Variant type: single nucleotide variant.
Coding change: c.3527C>T on transcript NM_001372044.2 (MANE Select); coding-DNA position 3527, C replaced by T.
Protein change: p.Pro1176Leu; replaces proline 1176 with leucine.
Molecular consequence: missense variant.
Genome position (GRCh38, 1-based): chr22:50,721,135, C>T. VCF-style: chr22-50721135-C-T. GRCh37 (hg19) VCF-style: chr22-51159563-C-T.
Other names: c.3302C>T (NM_033517.1); short protein forms P1176L.
Identifiers: ClinVar variation 870761 (VCV000870761.43), dbSNP rs768527232, ClinGen allele CA10325999.

ClinVar aggregate classification (germline): Uncertain significance. Review status: criteria provided, multiple submitters, no conflicts (2 of 4 stars). 2 submissions from 2 submitters: Uncertain significance (2). Last evaluated 2021-11-01.

Conditions:
Inborn genetic diseases. Identifiers: MedGen C0950123, MeSH D030342.

Allele frequency attached by ClinVar (database versions not stated): ExAC 0.00001; gnomAD 0.00001; gnomAD exomes 0.00001; TOPMed 0.00002.

Submissions (2):

CeGaT Center for Human Genetics Tuebingen
Classification: Uncertain significance. Last evaluated: 2021-11-01. Review status: criteria provided, single submitter. Criteria: CeGaT Center For Human Genetics Tuebingen Variant Classification Criteria Version 2. Collection method: clinical testing. Allele origin: germline. Affected: yes. Observed: 2 variant alleles.

Ambry Genetics
Classification: Uncertain significance for Inborn genetic diseases. Last evaluated: 2019-03-09. Review status: criteria provided, single submitter. Criteria: Ambry Variant Classification Scheme 2023. Collection method: clinical testing. Allele origin: germline.
Comment: The p.P1101L variant (also known as c.3302C>T), located in coding exon 21 of the SHANK3 gene, results from a C to T substitution at nucleotide position 3302. The proline at codon 1101 is replaced by leucine, an amino acid with similar properties. This amino acid position is highly conserved in available vertebrate species. In addition, this alteration is predicted to be and tolerated by PolyPhen and SIFT in silico analyses, respectively. Since supporting evidence is limited at this time, the clinical significance of this alteration remains unclear.